The following is an entry in ClinVar:

ClinVar aggregate classification (germline): Pathogenic (1 of 4 stars; one submission).

Submission:

Labcorp Genetics (formerly Invitae), Labcorp
Classification: Pathogenic. Last evaluated: 2023-05-18. Review status: criteria provided, single submitter. Criteria: Invitae Variant Classification Sherloc (09022015). Collection method: clinical testing. Allele origin: germline.
Comment: For these reasons, this variant has been classified as Pathogenic. This sequence change creates a premature translational stop signal (p.Tyr512*) in the GFM1 gene. It is expected to result in an absent or disrupted protein product. Loss-of-function variants in GFM1 are known to be pathogenic (PMID: 16632485, 17160893). This variant is not present in population databases (gnomAD no frequency). This variant has not been reported in the literature in individuals affected with GFM1-related conditions.

Literature cited by the submitters: PubMed 16632485; PubMed 17160893.

NM_024996.7(GFM1):c.1536T>A (p.Tyr512Ter)

Gene: GFM1 (G elongation factor mitochondrial 1; plus strand). Cytogenetic location: 3q25.32.
Variant type: single nucleotide variant.
Coding change: c.1536T>A on transcript NM_024996.7 (MANE Select); coding-DNA position 1536, T replaced by A.
Protein change: p.Tyr512Ter; replaces tyrosine 512 with a stop codon.
Molecular consequence: nonsense. On other transcripts: non-coding transcript variant (4).
Genome position (GRCh38, 1-based): chr3:158,666,321, T>A. VCF-style: chr3-158666321-T-A. GRCh37 (hg19) VCF-style: chr3-158384110-T-A.
Other names: c.1593T>A, p.Tyr531Ter (NM_001308164.2); c.1536T>A, p.Tyr512Ter (NM_001308166.2); c.1455T>A, p.Tyr485Ter (NM_001374355.1); c.1419T>A, p.Tyr473Ter (NM_001374356.1); c.1311T>A, p.Tyr437Ter (NM_001374357.1); c.1077T>A, p.Tyr359Ter (NM_001374358.1); c.969T>A, p.Tyr323Ter (NM_001374359.1, NM_001374360.1); c.852T>A, p.Tyr284Ter (NM_001374361.1); short protein forms Y485*, Y512*, Y531*, Y284*, Y323*, Y473*, Y359*, Y437*.
Identifiers: ClinVar variation 2865407 (VCV002865407.3), dbSNP rs2108053298, ClinGen allele CA355178521.